The following is an entry in ClinVar:

NM_005751.5(AKAP9):c.406-2A>G

Gene: AKAP9 (A-kinase anchoring protein 9; plus strand). Cytogenetic location: 7q21.2.
Variant type: single nucleotide variant.
Coding change: c.406-2A>G on transcript NM_005751.5 (MANE Select); the canonical splice acceptor site of the intron before coding-DNA position 406, A replaced by G.
Molecular consequence: splice acceptor variant.
Genome position (GRCh38, 1-based): chr7:91,992,883, A>G. VCF-style: chr7-91992883-A-G. GRCh37 (hg19) VCF-style: chr7-91622197-A-G.
Other names: c.406-2A>G (NM_147185.3).
Identifiers: ClinVar variation 3727850 (VCV003727850.2).
Genomic context (GRCh38, chr7:91,992,883, plus strand): 5'-GAATCTCTCTCCCTAAGGAATATTGCTAATACTGAATTCTTTAAAATCTTGGATTGATTT[A>G]GGAAGAAGAATTTGGTGTTGATGATTCTTATTCTGAACAAGGAGCACAAGACAGTCCGAC-3'

ClinVar aggregate classification (germline): Uncertain significance (1 of 4 stars; one submission).

Conditions:
Long QT syndrome (LQTS). Identifiers: MedGen C0023976, MeSH D008133, MONDO:0002442. Disease mechanism: loss of function. Inheritance: Various modes of inheritance.

Submission:

Labcorp Genetics (formerly Invitae), Labcorp
Classification: Uncertain significance for Long QT syndrome. Last evaluated: 2024-12-23. Review status: criteria provided, single submitter. Criteria: Invitae Variant Classification Sherloc (09022015). Collection method: clinical testing. Allele origin: germline.
Comment: This sequence change affects an acceptor splice site in intron 4 of the AKAP9 gene. It is expected to disrupt RNA splicing. Variants that disrupt the donor or acceptor splice site typically lead to a loss of protein function (PMID: 16199547), however the current clinical and genetic evidence is not sufficient to establish whether loss-of-function variants in AKAP9 cause disease. This variant is not present in population databases (gnomAD no frequency). This variant has not been reported in the literature in individuals affected with AKAP9-related conditions. Algorithms developed to predict the effect of sequence changes on RNA splicing suggest that this variant may disrupt the consensus splice site. In summary, the available evidence is currently insufficient to determine the role of this variant in disease. Therefore, it has been classified as a Variant of Uncertain Significance.

Literature cited by the submitters: PubMed 16199547.